The following is an entry in ClinVar:

NM_144997.7(FLCN):c.231A>G (p.Lys77=)

Gene: FLCN (folliculin; minus strand). Cytogenetic location: 17p11.2.
Variant type: single nucleotide variant.
Coding change: c.231A>G on transcript NM_144997.7 (MANE Select); coding-DNA position 231, A replaced by G.
Protein change: p.Lys77=; no amino-acid change (lysine 77 retained).
Molecular consequence: synonymous variant.
Genome position (GRCh38, 1-based): chr17:17,227,907, T>C on the plus strand (A>G on the coding strand, the complement: FLCN is on the minus strand). VCF-style: chr17-17227907-T-C. GRCh37 (hg19) VCF-style: chr17-17131221-T-C.
Other names: c.231A>G, p.Lys77= (NM_001353229.2, NM_001353230.2, NM_001353231.2 and 1 more transcripts).
Identifiers: ClinVar variation 821091 (VCV000821091.8), dbSNP rs1597617272, ClinGen allele CA498421501.

ClinVar aggregate classification (germline): Benign/Likely benign. Review status: criteria provided, multiple submitters, no conflicts (2 of 4 stars). 3 submissions from 3 submitters: Benign (1); Likely benign (2). Last evaluated 2024-10-22.

Conditions:
Hereditary cancer-predisposing syndrome. Also called: Hereditary Cancer Syndrome; Neoplastic Syndromes, Hereditary; Hereditary neoplastic syndrome; Tumor predisposition. Identifiers: Orphanet 140162, MedGen C0027672, MeSH D009386, MONDO:0015356.
Birt-Hogg-Dube syndrome 1 (BHD1). Also called: FIBROFOLLICULOMAS WITH TRICHODISCOMAS AND ACROCHORDONS. Identifiers: Orphanet 122, MedGen CN375946, MONDO:0800445, OMIM 135150.
Birt-Hogg-Dube syndrome. Also called: Birt Hogg Dubé syndrome. Identifiers: Orphanet 122, MedGen C0346010, MONDO:0800444.

Allele frequency attached by ClinVar (database versions not stated): gnomAD exomes below 0.00001.

Submissions (3):

Myriad Genetics, Inc.
Classification: Benign for Birt-Hogg-Dube syndrome 1. Last evaluated: 2024-10-22. Review status: criteria provided, single submitter. Criteria: Myriad Autosomal Dominant, Autosomal Recessive and X-Linked Classification Criteria (2023). Collection method: clinical testing. Allele origin: unknown.
Comment: This variant is considered benign. This variant is a silent/synonymous amino acid change and it is not expected to impact splicing.

Labcorp Genetics (formerly Invitae), Labcorp
Classification: Likely benign for Birt-Hogg-Dube syndrome. Last evaluated: 2023-12-01. Review status: criteria provided, single submitter. Criteria: Invitae Variant Classification Sherloc (09022015). Collection method: clinical testing. Allele origin: germline.

Ambry Genetics
Classification: Likely benign for Hereditary cancer-predisposing syndrome. Last evaluated: 2019-09-20. Review status: criteria provided, single submitter. Criteria: Ambry Variant Classification Scheme 2023. Collection method: clinical testing. Allele origin: germline.